The following is an entry in ClinVar:

NM_020366.4(RPGRIP1):c.2608_2609insA (p.Leu870fs)

Gene: RPGRIP1 (RPGR interacting protein 1; plus strand). Cytogenetic location: 14q11.2.
Variant type: Insertion.
Coding change: c.2608_2609insA on transcript NM_020366.4 (MANE Select); coding-DNA positions 2608 to 2609, A inserted.
Protein change: p.Leu870fs; shifts the reading frame from leucine 870.
Molecular consequence: frameshift variant. On other transcripts: intron variant (4).
Genome position: GRCh38 VCF-style: chr14-21326071-T-TA. GRCh37 (hg19) VCF-style: chr14-21794230-T-TA.
Other names: c.1534_1535insA, p.Leu512fs (NM_001377948.1); c.796+1346_796+1347insA (NM_001377949.1); c.689-1552_689-1551insA (NM_001377523.1, NM_001377950.1); c.191-1552_191-1551insA (NM_001377951.1); short protein forms L870fs, L512fs.
Identifiers: ClinVar variation 236503 (VCV000236503.32), dbSNP rs878853389, ClinGen allele CA10581691.

ClinVar aggregate classification (germline): Pathogenic. Review status: criteria provided, multiple submitters, no conflicts (2 of 4 stars). 3 submissions from 3 submitters: Pathogenic (2). 1 of the submissions does not count toward it. Last evaluated 2025-08-04.

Conditions:
Retinal dystrophy. Also called: Inherited retinal dystrophy. Identifiers: Orphanet 71862, MedGen C0854723, MeSH D058499, MONDO:0019118, HP:0000556.
Cone-rod dystrophy 13 (CORD13). Identifiers: Orphanet 1872, MedGen C2750720, MONDO:0011987, OMIM 608194.
Leber congenital amaurosis 6 (LCA6). Identifiers: Orphanet 65, MedGen C1854260, MONDO:0013446, OMIM 613826.

Submissions (3):

First Genomix Gene Laboratory, Genetic Diagnostics Department
Classification: Pathogenic for Cone-rod dystrophy 13; Leber congenital amaurosis 6. Last evaluated: 2025-08-04. Review status: criteria provided, single submitter. Criteria: ACMG Guidelines, 2015. Collection method: clinical testing. Allele origin: germline. Inheritance: Autosomal recessive inheritance. Affected: no. Observed: 1 variant allele.

CeGaT Center for Human Genetics Tuebingen
Classification: Pathogenic. Last evaluated: 2022-09-01. Review status: criteria provided, single submitter. Criteria: CeGaT Center For Human Genetics Tuebingen Variant Classification Criteria Version 2. Collection method: clinical testing. Allele origin: germline. Affected: yes. Observed: 2 variant alleles.
Comment: RPGRIP1: PVS1, PM2, PM3

Centre for Genomic Medicine, Manchester, Central Manchester University Hospitals
Classification: Likely pathogenic for Retinal dystrophy. Review status: no assertion criteria provided. Collection method: clinical testing. Allele origin: germline. Affected: yes. Not counted in ClinVar's aggregate classification.